The following is an entry in ClinVar:

NM_003924.4(PHOX2B):c.153T>G (p.Phe51Leu)

Genes: PHOX2B (paired like homeobox 2B; minus strand), PHOX2B-AS1 (PHOX2B antisense RNA 1; plus strand). Cytogenetic location: 4p13.
Variant type: single nucleotide variant.
Coding change: c.153T>G on transcript NM_003924.4 (MANE Select); coding-DNA position 153, T replaced by G.
Protein change: p.Phe51Leu; replaces phenylalanine 51 with leucine.
Molecular consequence: missense variant. On other transcripts: non-coding transcript variant (1).
Genome position (GRCh38, 1-based): chr4:41,748,458, A>C on the plus strand (T>G on the coding strand, the complement: PHOX2B is on the minus strand). VCF-style: chr4-41748458-A-C. GRCh37 (hg19) VCF-style: chr4-41750475-A-C.
Other names: short protein forms F51L.
Identifiers: ClinVar variation 3240114 (VCV003240114.3), dbSNP rs1012348354.

ClinVar aggregate classification (germline): Uncertain significance. Review status: criteria provided, multiple submitters, no conflicts (2 of 4 stars). 3 submissions from 3 submitters: Uncertain significance (3). Last evaluated 2024-08-22.

Conditions:
Neuroblastoma, susceptibility to, 2. Identifiers: Orphanet 635, MedGen C2751682, MONDO:0700041, OMIM 613013.
Hereditary cancer-predisposing syndrome. Also called: Neoplastic Syndromes, Hereditary; Tumor predisposition; Hereditary neoplastic syndrome; Hereditary Cancer Syndrome. Identifiers: Orphanet 140162, MedGen C0027672, MeSH D009386, MONDO:0015356.

Allele frequency attached by ClinVar (database versions not stated): gnomAD exomes below 0.00001; TOPMed 0.00001.
gnomAD v4.1: 1 of 1,614,174 alleles (0.000062%); highest among the groups gnomAD compares: Non-Finnish European, 0.000085%; no homozygotes.

Submissions (3):

Ambry Genetics
Classification: Uncertain significance for Hereditary cancer-predisposing syndrome. Last evaluated: 2024-08-22. Review status: criteria provided, single submitter. Criteria: Ambry Variant Classification Scheme 2023. Collection method: clinical testing. Allele origin: germline.
Comment: The p.F51L variant (also known as c.153T>G), located in coding exon 1 of the PHOX2B gene, results from a T to G substitution at nucleotide position 153. The phenylalanine at codon 51 is replaced by leucine, an amino acid with highly similar properties. This amino acid position is conserved. In addition, the in silico prediction for this alteration is inconclusive. Based on the available evidence, the clinical significance of this variant remains unclear.

GeneDx
Classification: Uncertain significance. Last evaluated: 2024-08-21. Review status: criteria provided, single submitter. Criteria: GeneDx Variant Classification Process June 2021. Collection method: clinical testing. Allele origin: germline. Affected: yes.
Comment: Not observed at significant frequency in large population cohorts (gnomAD); In silico analysis indicates that this missense variant does not alter protein structure/function; Has not been previously published as pathogenic or benign to our knowledge

Baylor Genetics
Classification: Uncertain significance for Neuroblastoma, susceptibility to, 2. Last evaluated: 2024-02-06. Review status: criteria provided, single submitter. Criteria: ACMG Guidelines, 2015. Collection method: clinical testing. Allele origin: unknown.